The following is an entry in ClinVar:

ClinVar aggregate classification (germline): Likely benign (0 of 4 stars; one submission).

Conditions:
GLI2-related disorder. Also called: GLI2-related disorders; GLI2-related condition.

Submission:

PreventionGenetics, part of Exact Sciences
Classification: Likely benign for GLI2-related condition. Last evaluated: 2021-09-24. Review status: no assertion criteria provided. Collection method: clinical testing. Allele origin: germline.
Comment: This variant is classified as likely benign based on ACMG/AMP sequence variant interpretation guidelines (Richards et al. 2015 PMID: 25741868, with internal and published modifications).

NM_001374353.1(GLI2):c.1944C>T (p.Ser648=)

Gene: GLI2 (GLI family zinc finger 2; plus strand). Cytogenetic location: 2q14.2.
Variant type: single nucleotide variant.
Coding change: c.1944C>T on transcript NM_001374353.1 (MANE Select); coding-DNA position 1944, C replaced by T.
Protein change: p.Ser648=; no amino-acid change (serine 648 retained).
Molecular consequence: synonymous variant.
Genome position (GRCh38, 1-based): chr2:120,986,316, C>T. VCF-style: chr2-120986316-C-T. GRCh37 (hg19) VCF-style: chr2-121743892-C-T.
Other names: c.1995C>T, p.Ser665= (NM_001371271.1, NM_005270.5); c.1569C>T, p.Ser523= (NM_001374354.1).
Identifiers: ClinVar variation 3060929 (VCV003060929.2), dbSNP rs2467757120, ClinGen allele CA428230383.